The following is an entry in ClinVar:

ClinVar aggregate classification (germline): Likely benign. Review status: criteria provided, multiple submitters, no conflicts (2 of 4 stars). 4 submissions from 4 submitters: Likely benign (3). 1 of the submissions does not count toward it. Last evaluated 2026-09-01.

Conditions:
Spinocerebellar ataxia, autosomal recessive, with axonal neuropathy 2 (SCAN2). Also called: Ataxia with Oculomotor Apraxia Type 2; ATAXIA-OCULOMOTOR APRAXIA 2; Ataxia with Oculomotor Apraxia; Ataxia-ocular apraxia-2. Identifiers: Orphanet 64753, MedGen C1853761, MONDO:0018996, OMIM 606002.
Amyotrophic lateral sclerosis type 4 (ALS4). Also called: AMYOTROPHIC LATERAL SCLEROSIS 4, JUVENILE; NEURONOPATHY, DISTAL HEREDITARY MOTOR, WITH PYRAMIDAL FEATURES. Identifiers: Orphanet 357043, MedGen C1865409, MONDO:0011223, OMIM 602433.
SETX-related disorder. Also called: SETX-related disorders; SETX-related condition. Identifiers: MedGen CN239403.

Allele frequency attached by ClinVar (database versions not stated): ExAC 0.00001; gnomAD 0.00001.
gnomAD v4.1: 30 of 1,614,008 alleles (0.0019%); highest among the groups gnomAD compares: Non-Finnish European, 0.0025%; no homozygotes.

Submissions (4):

CeGaT Center for Human Genetics Tuebingen
Classification: Likely benign. Last evaluated: 2026-09-01. Review status: criteria provided, single submitter. Criteria: CeGaT Center For Human Genetics Tuebingen Variant Classification Criteria Version 2. Collection method: clinical testing. Allele origin: germline. Affected: yes. Observed: 1 variant allele.
Comment: SETX: BP4, BP7

Blueprint Genetics
Classification: Likely benign. Last evaluated: 2024-10-22. Review status: criteria provided, single submitter. Criteria: ACMG Guidelines, 2015. Collection method: clinical testing. Allele origin: germline.

Labcorp Genetics (formerly Invitae), Labcorp
Classification: Likely benign for Amyotrophic lateral sclerosis type 4; Spinocerebellar ataxia, autosomal recessive, with axonal neuropathy 2. Last evaluated: 2024-05-14. Review status: criteria provided, single submitter. Criteria: Invitae Variant Classification Sherloc (09022015). Collection method: clinical testing. Allele origin: germline.

PreventionGenetics, part of Exact Sciences
Classification: Likely benign for SETX-related condition. Last evaluated: 2023-03-07. Review status: no assertion criteria provided. Collection method: clinical testing. Allele origin: germline. Not counted in ClinVar's aggregate classification.
Comment: This variant is classified as likely benign based on ACMG/AMP sequence variant interpretation guidelines (Richards et al. 2015 PMID: 25741868, with internal and published modifications).

NM_015046.7(SETX):c.5667G>A (p.Lys1889=)

Gene: SETX (senataxin; minus strand). Cytogenetic location: 9q34.13.
Variant type: single nucleotide variant.
Coding change: c.5667G>A on transcript NM_015046.7 (MANE Select); coding-DNA position 5667, G replaced by A.
Protein change: p.Lys1889=; no amino-acid change (lysine 1889 retained).
Molecular consequence: synonymous variant.
Genome position (GRCh38, 1-based): chr9:132,298,194, C>T on the plus strand (G>A on the coding strand, the complement: SETX is on the minus strand). VCF-style: chr9-132298194-C-T. GRCh37 (hg19) VCF-style: chr9-135173581-C-T.
Other names: c.5667G>A, p.Lys1889= (NM_001351527.2, NM_001351528.2).
Identifiers: ClinVar variation 3055087 (VCV003055087.6), dbSNP rs778414921, ClinGen allele CA5296923.